The following is an entry in ClinVar:

ClinVar aggregate classification (germline): Conflicting classifications of pathogenicity. Review status: criteria provided, conflicting classifications (1 of 4 stars). 3 submissions from 3 submitters: Pathogenic (1); Likely pathogenic (1); Uncertain significance (1). Last evaluated 2025-11-13.

Conditions:
Argininosuccinate lyase deficiency. Also called: ARGININOSUCCINIC ACID LYASE DEFICIENCY; ASL DEFICIENCY; Argininosuccinic aciduria. Identifiers: Orphanet 23, MedGen C0268547, MONDO:0008815, OMIM 207900, HP:0025630.
Inborn genetic diseases. Identifiers: MedGen C0950123, MeSH D030342.

Allele frequency attached by ClinVar (database versions not stated): ExAC 0.00001; TOPMed 0.00002; gnomAD 0.00003; gnomAD exomes 0.00004.
gnomAD v4.1: 59 of 1,604,610 alleles (0.0037%); highest among the groups gnomAD compares: Non-Finnish European, 0.0047%; no homozygotes.

Submissions (3):

Labcorp Genetics (formerly Invitae), Labcorp
Classification: Pathogenic for Argininosuccinate lyase deficiency. Last evaluated: 2025-11-13. Review status: criteria provided, single submitter. Criteria: Invitae Variant Classification Sherloc (09022015). Collection method: clinical testing. Allele origin: germline.
Comment: This sequence change replaces isoleucine, which is neutral and non-polar, with threonine, which is neutral and polar, at codon 204 of the ASL protein (p.Ile204Thr). This variant is present in population databases (rs745502369, gnomAD 0.006%). This missense change has been observed in individual(s) with argininosuccinic aciduria (internal data). In at least one individual the data is consistent with being in trans (on the opposite chromosome) from a pathogenic variant. ClinVar contains an entry for this variant (Variation ID: 2369388). Invitae Evidence Modeling of protein sequence and biophysical properties (such as structural, functional, and spatial information, amino acid conservation, physicochemical variation, residue mobility, and thermodynamic stability) indicates that this missense variant is expected to disrupt ASL protein function with a positive predictive value of 95%. For these reasons, this variant has been classified as Pathogenic.

Fulgent Genetics
Classification: Likely pathogenic for Argininosuccinate lyase deficiency. Last evaluated: 2024-06-24. Review status: criteria provided, single submitter. Criteria: ACMG Guidelines, 2015. Collection method: clinical testing. Allele origin: germline.

Ambry Genetics
Classification: Uncertain significance for Inborn genetic diseases. Last evaluated: 2022-05-16. Review status: criteria provided, single submitter. Criteria: Ambry Variant Classification Scheme 2023. Collection method: clinical testing. Allele origin: germline.

NM_000048.4(ASL):c.611T>C (p.Ile204Thr)

Gene: ASL (argininosuccinate lyase; plus strand). Cytogenetic location: 7q11.21.
Variant type: single nucleotide variant.
Coding change: c.611T>C on transcript NM_000048.4 (MANE Select); coding-DNA position 611, T replaced by C.
Protein change: p.Ile204Thr; replaces isoleucine 204 with threonine.
Molecular consequence: missense variant.
Genome position (GRCh38, 1-based): chr7:66,087,342, T>C. VCF-style: chr7-66087342-T-C. GRCh37 (hg19) VCF-style: chr7-65552329-T-C.
Other names: c.611T>C, p.Ile204Thr (NM_001024943.2, NM_001024944.2); c.533T>C, p.Ile178Thr (NM_001024946.2); short protein forms I204T, I178T.
Identifiers: ClinVar variation 2369388 (VCV002369388.6), dbSNP rs745502369, ClinGen allele CA4277053.